The following is an entry in ClinVar:

NM_024652.6(LRRK1):c.3100C>T (p.Arg1034Trp)

Genes: LRRK1 (leucine rich repeat kinase 1; plus strand), LRRK1-AS1 (LRRK1 antisense RNA 1; minus strand). Cytogenetic location: 15q26.3.
Variant type: single nucleotide variant.
Coding change: c.3100C>T on transcript NM_024652.6 (MANE Select); coding-DNA position 3100, C replaced by T.
Protein change: p.Arg1034Trp; replaces arginine 1034 with tryptophan.
Molecular consequence: missense variant.
Genome position (GRCh38, 1-based): chr15:101,046,117, C>T. VCF-style: chr15-101046117-C-T. GRCh37 (hg19) VCF-style: chr15-101586322-C-T.
Other names: short protein forms R1034W.
Identifiers: ClinVar variation 1948915 (VCV001948915.3), dbSNP rs372293144, ClinGen allele CA275609598.
Genomic context (GRCh38, chr15:101,046,117, plus strand): 5'-ATTCAGAGGGTATTTAAGATGAGCTTCGTTCCCGTTGGCTTCTGGCAAAGGTTTATAGCA[C>T]GGATGCTGATCAGCCTGGCGGAGATGGACCTGCAGGTATTATGGCTGCGGTTTCTGCATA-3'
Protein context (NP_078928.3, residues 1024-1044): PVGFWQRFIA[Arg1034Trp]MLISLAEMDL

ClinVar aggregate classification (germline): Uncertain significance (1 of 4 stars; one submission).

Allele frequency attached by ClinVar (database versions not stated): gnomAD 0.00001; gnomAD exomes 0.00001; TOPMed 0.00001; ESP Exome Variant Server 0.00008.
gnomAD v4.1: 21 of 1,614,132 alleles (0.0013%); highest among the groups gnomAD compares: African/African-American, 0.0027%; no homozygotes.

Submission:

Labcorp Genetics (formerly Invitae), Labcorp
Classification: Uncertain significance. Last evaluated: 2022-04-08. Review status: criteria provided, single submitter. Criteria: Invitae Variant Classification Sherloc (09022015). Collection method: clinical testing. Allele origin: germline.
Comment: This sequence change replaces arginine, which is basic and polar, with tryptophan, which is neutral and slightly polar, at codon 1034 of the LRRK1 protein (p.Arg1034Trp). This variant is present in population databases (rs372293144, gnomAD 0.007%). This variant has not been reported in the literature in individuals affected with LRRK1-related conditions. Algorithms developed to predict the effect of missense changes on protein structure and function are either unavailable or do not agree on the potential impact of this missense change (SIFT: "Deleterious"; PolyPhen-2: "Probably Damaging"; Align-GVGD: "Class C0"). Algorithms developed to predict the effect of sequence changes on RNA splicing suggest that this variant may disrupt the consensus splice site. In summary, the available evidence is currently insufficient to determine the role of this variant in disease. Therefore, it has been classified as a Variant of Uncertain Significance.